The following is an entry in ClinVar:

ClinVar aggregate classification (germline): Uncertain significance (1 of 4 stars; one submission).

Submission:

CeGaT Center for Human Genetics Tuebingen
Classification: Uncertain significance. Last evaluated: 2026-01-01. Review status: criteria provided, single submitter. Criteria: CeGaT Center For Human Genetics Tuebingen Variant Classification Criteria Version 2. Collection method: clinical testing. Allele origin: germline. Affected: yes. Observed: 1 variant allele.
Comment: PLXNA1: PM2

NM_032242.4(PLXNA1):c.756C>A (p.Ser252Arg)

Gene: PLXNA1 (plexin A1; plus strand). Cytogenetic location: 3q21.3.
Variant type: single nucleotide variant.
Coding change: c.756C>A on transcript NM_032242.4 (MANE Select); coding-DNA position 756, C replaced by A.
Protein change: p.Ser252Arg; replaces serine 252 with arginine.
Molecular consequence: missense variant.
Genome position (GRCh38, 1-based): chr3:126,989,349, C>A. VCF-style: chr3-126989349-C-A. GRCh37 (hg19) VCF-style: chr3-126708192-C-A.
Other names: short protein forms S252R.
Identifiers: ClinVar variation 4822907 (VCV004822907.4).
Genomic context (GRCh38, chr3:126,989,349, plus strand): 5'-TTCGGACACGCTGTCCAAGTTCCCGGCCTTTGACATCTACTATGTGTACAGCTTCCGCAG[C>A]GAGCAGTTTGTCTACTACCTCACGCTGCAGCTAGACACACAGCTGACCTCGCCTGATGCC-3'
Protein context (NP_115618.3, residues 242-262): FDIYYVYSFR[Ser252Arg]EQFVYYLTLQ